The following is an entry in ClinVar:

ClinVar aggregate classification (germline): Uncertain significance. Review status: criteria provided, multiple submitters, no conflicts (2 of 4 stars). 3 submissions from 3 submitters: Uncertain significance (3). Last evaluated 2026-04-14.

Conditions:
Cholestasis, intrahepatic, of pregnancy, 1 (ICP1). Also called: CHOLESTASIS, PREGNANCY-RELATED, 1. Identifiers: Orphanet 69665, MedGen C3549845, MONDO:0007829, OMIM 147480.
Familial intrahepatic cholestasis. Identifiers: Orphanet 284385, MedGen CN296401, MONDO:0017290.

Allele frequency attached by ClinVar (database versions not stated): gnomAD exomes below 0.00001; ExAC 0.00001.
gnomAD v4.1: 5 of 1,614,138 alleles (0.00031%); highest among the groups gnomAD compares: South Asian, 0.0022%; no homozygotes.

Submissions (3):

Genomenon, Inc
Classification: Uncertain significance for Familial intrahepatic cholestasis. Last evaluated: 2026-04-14. Review status: criteria provided, single submitter. Criteria: Genomenon Sequence Variant Interpretation Standards - Updated. Collection method: curation. Allele origin: germline. Affected: yes.
Comment: ATP8B1 p.Arg412Cys (c.1234C>T) is a missense variant that changes the amino acid at residue 412 from Arginine to Cysteine. This variant has been observed in at least one proband with features of ATP8B1-deficiency (PMID:33915153). It is absent or not present at a significant frequency in gnomAD. In silico models predict that this variant is possibly or probably damaging. In conclusion, we classify ATP8B1 p.Arg412Cys (c.1234C>T) as a variant of uncertain significance.

Genomic Medicine Center of Excellence, King Faisal Specialist Hospital and Research Centre
Classification: Uncertain significance for Cholestasis, intrahepatic, of pregnancy, 1. Last evaluated: 2024-04-04. Review status: criteria provided, single submitter. Criteria: ACMG Guidelines, 2015. Collection method: clinical testing. Allele origin: germline.

Eurofins Ntd Llc (ga)
Classification: Uncertain significance. Last evaluated: 2017-11-06. Review status: criteria provided, single submitter. Criteria: EGL Classification Definitions 2015. Collection method: clinical testing. Allele origin: germline. Observed: 1 variant allele, 1 heterozygote.

Literature cited by the submitters: PubMed 33915153 (cited by Genomenon, Inc).

NM_001374385.1(ATP8B1):c.1234C>T (p.Arg412Cys)

Gene: ATP8B1 (ATPase phospholipid transporting 8B1; minus strand). Cytogenetic location: 18q21.31.
Variant type: single nucleotide variant.
Coding change: c.1234C>T on transcript NM_001374385.1 (MANE Select); coding-DNA position 1234, C replaced by T.
Protein change: p.Arg412Cys; replaces arginine 412 with cysteine.
Molecular consequence: missense variant.
Genome position (GRCh38, 1-based): chr18:57,688,494, G>A on the plus strand (C>T on the coding strand, the complement: ATP8B1 is on the minus strand). VCF-style: chr18-57688494-G-A. GRCh37 (hg19) VCF-style: chr18-55355726-G-A.
Other names: c.1084C>T, p.Arg362Cys (NM_001374386.1); c.1234C>T, p.Arg412Cys (NM_005603.6); short protein forms R412C, R362C.
Identifiers: ClinVar variation 594881 (VCV000594881.7), dbSNP rs760934663, ClinGen allele CA8974617.